The following is an entry in ClinVar:

ClinVar aggregate classification (germline): Likely benign (1 of 4 stars; one submission).

Allele frequency attached by ClinVar (database versions not stated): ESP Exome Variant Server 0.00008; gnomAD 0.00022.
gnomAD v4.1: 99 of 1,589,570 alleles (0.0062%); highest among the groups gnomAD compares: Admixed American, 0.06%; no homozygotes.

Submission:

CeGaT Center for Human Genetics Tuebingen
Classification: Likely benign. Last evaluated: 2022-07-01. Review status: criteria provided, single submitter. Criteria: CeGaT Center For Human Genetics Tuebingen Variant Classification Criteria Version 2. Collection method: clinical testing. Allele origin: germline. Affected: yes. Observed: 1 variant allele.
Comment: CSMD1: BP4, BP7

NM_033225.6(CSMD1):c.2073A>C (p.Thr691=)

Gene: CSMD1 (CUB and Sushi multiple domains 1; minus strand). Cytogenetic location: 8p23.2.
Variant type: single nucleotide variant.
Coding change: c.2073A>C on transcript NM_033225.6 (MANE Select); coding-DNA position 2073, A replaced by C.
Protein change: p.Thr691=; no amino-acid change (threonine 691 retained).
Molecular consequence: synonymous variant.
Genome position (GRCh38, 1-based): chr8:3,406,220, T>G on the plus strand (A>C on the coding strand, the complement: CSMD1 is on the minus strand). VCF-style: chr8-3406220-T-G. GRCh37 (hg19) VCF-style: chr8-3263742-T-G.
Identifiers: ClinVar variation 2658345 (VCV002658345.24), dbSNP rs199668404, ClinGen allele CA4608542.